The following is an entry in ClinVar:

NM_000078.3(CETP):c.1299G>A (p.Val433=)

Gene: CETP (cholesteryl ester transfer protein; plus strand). Cytogenetic location: 16q13.
Variant type: single nucleotide variant.
Coding change: c.1299G>A on transcript NM_000078.3 (MANE Select); coding-DNA position 1299, G replaced by A.
Protein change: p.Val433=; no amino-acid change (valine 433 retained).
Molecular consequence: synonymous variant.
Genome position (GRCh38, 1-based): chr16:56,982,215, G>A. VCF-style: chr16-56982215-G-A. GRCh37 (hg19) VCF-style: chr16-57016127-G-A.
Other names: p.Val433=; c.1119G>A, p.Val373= (NM_001286085.2).
Identifiers: ClinVar variation 319996 (VCV000319996.17), dbSNP rs5886, ClinGen allele CA8071335.

ClinVar aggregate classification (germline): Benign. Review status: criteria provided, multiple submitters, no conflicts (2 of 4 stars). 5 submissions from 5 submitters: Benign (5). Last evaluated 2026-02-02.

Conditions:
Hyperalphalipoproteinemia 1 (HALP1). Also called: CETP-Related Hyperalphalipoproteinemia; CETP DEFICIENCY. Identifiers: MedGen C3149462, OMIM 143470.

Allele frequency attached by ClinVar (database versions not stated): gnomAD exomes 0.00188 and 0.00531; ExAC 0.00658; gnomAD 0.01989 and 0.02118; ESP Exome Variant Server 0.02178; TOPMed 0.02226; 1000 Genomes Project 0.02516; 1000 Genomes Project 30x 0.02545.
gnomAD v4.1: 5,911 of 1,614,004 alleles (0.37%); highest among the groups gnomAD compares: African/African-American, 6.8%; 204 homozygotes.

Submissions (5):

Labcorp Genetics (formerly Invitae), Labcorp
Classification: Benign. Last evaluated: 2026-02-02. Review status: criteria provided, single submitter. Criteria: Invitae Variant Classification Sherloc (09022015). Collection method: clinical testing. Allele origin: germline.

Mayo Clinic Laboratories, Mayo Clinic
Classification: Benign. Last evaluated: 2023-04-16. Review status: criteria provided, single submitter. Criteria: ACMG Guidelines, 2015. Collection method: clinical testing. Allele origin: germline. Observed: 4 variant alleles.

GeneDx
Classification: Benign. Last evaluated: 2019-05-14. Review status: criteria provided, single submitter. Criteria: GeneDx Variant Classification Process June 2021. Collection method: clinical testing. Allele origin: germline. Affected: yes.

Illumina Laboratory Services, Illumina
Classification: Benign for Hyperalphalipoproteinemia 1. Last evaluated: 2018-01-13. Review status: criteria provided, single submitter. Criteria: ICSL Variant Classification Criteria 13 December 2019. Collection method: clinical testing. Allele origin: germline.
Comment: This variant was observed in the ICSL laboratory as part of a predisposition screen in an ostensibly healthy population. It had not been previously curated by ICSL or reported in the Human Gene Mutation Database (HGMD: prior to June 1st, 2018), and was therefore a candidate for classification through an automated scoring system. Utilizing variant allele frequency, disease prevalence and penetrance estimates, and inheritance mode, an automated score was calculated to assess if this variant is too frequent to cause the disease. Based on the score and internal cut-off values, a variant classified as benign is not then subjected to further curation. The score for this variant resulted in a classification of benign for this disease.

Breakthrough Genomics
Classification: Benign. Review status: criteria provided, single submitter. Criteria: ACMG Guidelines, 2015. Collection method: not provided. Allele origin: germline. Inheritance: Autosomal dominant inheritance. Affected: yes.